The following is an entry in ClinVar:

ClinVar aggregate classification (germline): Conflicting classifications of pathogenicity. Review status: criteria provided, conflicting classifications (1 of 4 stars). 3 submissions from 3 submitters: Uncertain significance (2); Likely benign (1). Last evaluated 2026-08-11.

Allele frequency attached by ClinVar (database versions not stated): gnomAD exomes below 0.00001; TOPMed below 0.00001; ExAC 0.00001; gnomAD 0.00001.
gnomAD v4.1: 8 of 1,613,840 alleles (0.0005%); highest among the groups gnomAD compares: Middle Eastern, 0.033%; no homozygotes.

Submissions (3):

GeneDx
Classification: Uncertain significance. Last evaluated: 2026-08-11. Review status: criteria provided, single submitter. Criteria: GeneDx Variant Classification Process June 2021. Collection method: clinical testing. Allele origin: germline.
Comment: Not observed at significant frequency in large population cohorts (gnomAD); In silico analysis supports that this missense variant has a deleterious effect on protein structure/function; Has not been previously published as pathogenic or benign to our knowledge

Labcorp Genetics (formerly Invitae), Labcorp
Classification: Likely benign. Last evaluated: 2025-04-07. Review status: criteria provided, single submitter. Criteria: Invitae Variant Classification Sherloc (09022015). Collection method: clinical testing. Allele origin: germline.

Blueprint Genetics
Classification: Uncertain significance. Last evaluated: 2023-01-12. Review status: criteria provided, single submitter. Criteria: ACMG Guidelines, 2015. Collection method: clinical testing. Allele origin: germline.

NM_032119.4(ADGRV1):c.3125A>G (p.Asp1042Gly)

Gene: ADGRV1 (adhesion G protein-coupled receptor V1; plus strand). Cytogenetic location: 5q14.3.
Variant type: single nucleotide variant.
Coding change: c.3125A>G on transcript NM_032119.4 (MANE Select); coding-DNA position 3125, A replaced by G.
Protein change: p.Asp1042Gly; replaces aspartic acid 1042 with glycine.
Molecular consequence: missense variant. On other transcripts: non-coding transcript variant (1).
Genome position (GRCh38, 1-based): chr5:90,647,600, A>G. VCF-style: chr5-90647600-A-G. GRCh37 (hg19) VCF-style: chr5-89943417-A-G.
Other names: c.3125A>G (NM_032119.3); short protein forms D1042G.
Identifiers: ClinVar variation 1477142 (VCV001477142.11), dbSNP rs755515191, ClinGen allele CA3339106.
Genomic context (GRCh38, chr5:90,647,600, plus strand): 5'-TTACAGTTCTCAGAAATGGATCTGTTGATGTGACTTGCATGGTCCAGTATGCTACCAAGG[A>G]TGGGAAGGCTACTGCAAGAGAGAGAGATTTCATTCCTGTTGAAAAAGGAGAAACGCTCAT-3'
Protein context (NP_115495.3, residues 1032-1052): VTCMVQYATK[Asp1042Gly]GKATARERDF